The following is an entry in ClinVar:

NM_001611.5(ACP5):c.250_251del (p.Lys84fs)

Gene: ACP5 (acid phosphatase 5, tartrate resistant; minus strand). Cytogenetic location: 19p13.2.
Variant type: Deletion.
Coding change: c.250_251del on transcript NM_001611.5 (MANE Select); coding-DNA positions 250 to 251, 2 bases deleted (AA; older notation c.250_251delAA).
Protein change: p.Lys84fs; shifts the reading frame from lysine 84.
Molecular consequence: frameshift variant.
Genome position (GRCh38, 1-based): chr19:11,577,067-11,577,068, TT deleted on the plus strand (AA on the coding strand, the reverse complement: ACP5 is on the minus strand). VCF-style (leftmost placement, unchanged base first): chr19-11577066-CTT-C. GRCh37 (hg19) VCF-style: chr19-11687881-CTT-C.
Other names: c.250_251del, p.Lys84fs (NM_001111034.3, NM_001111035.3, NM_001111036.3 and 1 more transcripts); short protein forms K84fs.
Identifiers: ClinVar variation 3722995 (VCV003722995.2).
Genomic context (GRCh38, chr19:11,577,066, plus strand): 5'-TTCTCCCCACTGCCCGCCCCCACCTCCTGCCCCACTCTGTTGGGCACAGACCTGGAACCT[CTT>C]GTCATTGATGTCTTGCACACCAGTGAAGTAAAAATTGTCCCCTAGAGACAGGATGAAGTC-3'

ClinVar aggregate classification (germline): Pathogenic (1 of 4 stars; one submission).

Conditions:
Spondyloenchondrodysplasia with immune dysregulation (SPENCDI). Also called: COMBINED IMMUNODEFICIENCY WITH AUTOIMMUNITY AND SPONDYLOMETAPHYSEAL DYSPLASIA; ROIFMAN IMMUNOSKELETAL SYNDROME; SPONDYLOENCHONDRODYSPLASIA WITH OR WITHOUT IMMUNE DYSREGULATION. Identifiers: Orphanet 1855, MedGen C1842763, MONDO:0011939, OMIM 607944.

Submission:

Labcorp Genetics (formerly Invitae), Labcorp
Classification: Pathogenic for Spondyloenchondrodysplasia with immune dysregulation. Last evaluated: 2024-10-16. Review status: criteria provided, single submitter. Criteria: Invitae Variant Classification Sherloc (09022015). Collection method: clinical testing. Allele origin: germline.
Comment: This sequence change creates a premature translational stop signal (p.Lys84Glufs*7) in the ACP5 gene. It is expected to result in an absent or disrupted protein product. Loss-of-function variants in ACP5 are known to be pathogenic (PMID: 21217752, 21217755). This variant is present in population databases (no rsID available, gnomAD 0.0009%). This variant has not been reported in the literature in individuals affected with ACP5-related conditions. For these reasons, this variant has been classified as Pathogenic.

Literature cited by the submitters: PubMed 21217752; PubMed 21217755.